The following is an entry in ClinVar:

NC_000004.11:g.(?_55569884)_(55604729_?)dup

Gene: KIT (KIT proto-oncogene, receptor tyrosine kinase; plus strand). Cytogenetic location: 4q12.
Variant type: Duplication.
Identifiers: ClinVar variation 528722 (VCV000528722.3).

ClinVar aggregate classification (germline): Uncertain significance (1 of 4 stars; one submission).

Conditions:
Gastrointestinal stromal tumor. Also called: Gastrointestinal stromal tumor, somatic; Gastrointestinal stroma tumor. Identifiers: Orphanet 44890, MedGen C0238198, MeSH D046152, MONDO:0011719, OMIM 606764, HP:0100723.

Submission:

Labcorp Genetics (formerly Invitae), Labcorp
Classification: Uncertain significance for Gastrointestinal stromal tumor. Last evaluated: 2017-11-06. Review status: criteria provided, single submitter. Criteria: Invitae Variant Classification Sherloc (09022015). Collection method: clinical testing. Allele origin: germline.
Comment: This variant is a gross duplication of the genomic region encompassing exons 5-21 of the KIT gene. The 5' boundary is likely confined to intron 4. The 3' end of this event is unknown as it extends beyond the assayed region for this gene and therefore may encompass additional genes. The exact location of this variant in the genome is unknown. Experimental studies and prediction algorithms are not available for this variant, and the functional significance of the duplicated amino acids is currently unknown. In summary, the exact location of the duplicated exons in unknown and the¬† available evidence is currently insufficient to determine the role of this variant in disease. Therefore, it has been classified as a Variant of Uncertain Significance. This variant has not been reported in the literature in individuals with KIT-related disease.